The following is an entry in ClinVar:

ClinVar aggregate classification (germline): Uncertain significance (1 of 4 stars; one submission).

Conditions:
Multiple congenital anomalies-hypotonia-seizures syndrome 3 (MCAHS3). Also called: GLYCOSYLPHOSPHATIDYLINOSITOL BIOSYNTHESIS DEFECT 7. Identifiers: Orphanet 369837, MedGen C3809356, MONDO:0014165, OMIM 615398.

Allele frequency attached by ClinVar (database versions not stated): gnomAD 0.00001; ExAC 0.00002; TOPMed 0.00003.

Submission:

Labcorp Genetics (formerly Invitae), Labcorp
Classification: Uncertain significance for Multiple congenital anomalies-hypotonia-seizures syndrome 3. Last evaluated: 2022-04-18. Review status: criteria provided, single submitter. Criteria: Invitae Variant Classification Sherloc (09022015). Collection method: clinical testing. Allele origin: germline.
Comment: In summary, the available evidence is currently insufficient to determine the role of this variant in disease. Therefore, it has been classified as a Variant of Uncertain Significance. Algorithms developed to predict the effect of missense changes on protein structure and function are either unavailable or do not agree on the potential impact of this missense change (SIFT: "Deleterious"; PolyPhen-2: "Benign"; Align-GVGD: "Class C0"). This variant has not been reported in the literature in individuals affected with PIGT-related conditions. This variant is present in population databases (rs766494019, gnomAD 0.01%). This sequence change replaces threonine, which is neutral and polar, with methionine, which is neutral and non-polar, at codon 251 of the PIGT protein (p.Thr251Met).

NM_015937.6(PIGT):c.752C>T (p.Thr251Met)

Gene: PIGT (phosphatidylinositol glycan anchor biosynthesis class T; plus strand). Cytogenetic location: 20q13.12.
Variant type: single nucleotide variant.
Coding change: c.752C>T on transcript NM_015937.6 (MANE Select); coding-DNA position 752, C replaced by T.
Protein change: p.Thr251Met; replaces threonine 251 with methionine.
Molecular consequence: missense variant. On other transcripts: non-coding transcript variant (5).
Genome position (GRCh38, 1-based): chr20:45,420,206, C>T. VCF-style: chr20-45420206-C-T. GRCh37 (hg19) VCF-style: chr20-44048846-C-T.
Other names: c.584C>T, p.Thr195Met (NM_001184728.3); c.752C>T, p.Thr251Met (NM_001184729.3); c.446C>T, p.Thr149Met (NM_001184730.3); short protein forms T149M, T251M, T195M.
Identifiers: ClinVar variation 2173722 (VCV002173722.4), dbSNP rs766494019, ClinGen allele CA9878030.